The following is an entry in ClinVar:

ClinVar aggregate classification (germline): Uncertain significance (1 of 4 stars; one submission).

Submission:

Labcorp Genetics (formerly Invitae), Labcorp
Classification: Uncertain significance. Last evaluated: 2022-03-14. Review status: criteria provided, single submitter. Criteria: Invitae Variant Classification Sherloc (09022015). Collection method: clinical testing. Allele origin: germline.
Comment: In summary, the available evidence is currently insufficient to determine the role of this variant in disease. Therefore, it has been classified as a Variant of Uncertain Significance. Algorithms developed to predict the effect of missense changes on protein structure and function are either unavailable or do not agree on the potential impact of this missense change (SIFT: "Tolerated"; PolyPhen-2: "Probably Damaging"; Align-GVGD: "Class C0"). This variant has not been reported in the literature in individuals affected with TGFB1-related conditions. This variant is not present in population databases (gnomAD no frequency). This sequence change replaces glutamic acid, which is acidic and polar, with alanine, which is neutral and non-polar, at codon 39 of the TGFB1 protein (p.Glu39Ala).

NM_000660.7(TGFB1):c.116A>C (p.Glu39Ala)

Genes: TGFB1 (transforming growth factor beta 1; minus strand), LOC130064510 (ATAC-STARR-seq lymphoblastoid silent region 10661; plus strand). Cytogenetic location: 19q13.2.
Variant type: single nucleotide variant.
Coding change: c.116A>C on transcript NM_000660.7 (MANE Select); coding-DNA position 116, A replaced by C.
Protein change: p.Glu39Ala; replaces glutamic acid 39 with alanine.
Molecular consequence: missense variant.
Genome position (GRCh38, 1-based): chr19:41,352,929, T>G on the plus strand (A>C on the coding strand, the complement: TGFB1 is on the minus strand). VCF-style: chr19-41352929-T-G. GRCh37 (hg19) VCF-style: chr19-41858834-T-G.
Other names: short protein forms E39A.
Identifiers: ClinVar variation 2108531 (VCV002108531.4), dbSNP rs2513392911, ClinGen allele CA406006172.
Genomic context (GRCh38, chr19:41,352,929, plus strand): 5'-AGCCGCAGCTTGGACAGGATCTGGCCGCGGATGGCCTCGATGCGCTTCCGCTTCACCAGC[T>G]CCATGTCGATAGTCTTGCAGGTGGATAGTCCCGCGGCCGGCCGGCCAGGCGTCAGCACCA-3'
Protein context (NP_000651.3, residues 29-49): GLSTCKTIDM[Glu39Ala]LVKRKRIEAI